The following is an entry in ClinVar:

ClinVar aggregate classification (germline): Uncertain significance (1 of 4 stars; one submission).

Conditions:
Marfan syndrome (MFS). Also called: MARFAN SYNDROME, TYPE I; FBN1-Related Marfan Syndrome; Marfan syndrome type 1; Marfan's syndrome; Marfan syndrome, classic. Identifiers: Orphanet 284963, Orphanet 558, MedGen C0024796, MONDO:0007947, OMIM 154700.

Submission:

Centre of Medical Genetics, University Hospital Muenster
Classification: Uncertain significance for Marfan syndrome. Last evaluated: 2022-12-06. Review status: criteria provided, single submitter. Criteria: ACMG Guidelines, 2015. Collection method: clinical testing. Allele origin: unknown. Affected: yes. Observed: 1 variant allele, 1 heterozygote.
Comment: ACMG categories: PM1,PM2,PP3

NM_000138.5(FBN1):c.3964G>T (p.Asp1322Tyr)

Gene: FBN1 (fibrillin 1; minus strand). Cytogenetic location: 15q21.1.
Variant type: single nucleotide variant.
Coding change: c.3964G>T on transcript NM_000138.5 (MANE Select); coding-DNA position 3964, G replaced by T.
Protein change: p.Asp1322Tyr; replaces aspartic acid 1322 with tyrosine.
Molecular consequence: missense variant.
Genome position (GRCh38, 1-based): chr15:48,481,655, C>A on the plus strand (G>T on the coding strand, the complement: FBN1 is on the minus strand). VCF-style: chr15-48481655-C-A. GRCh37 (hg19) VCF-style: chr15-48773852-C-A.
Other names: c.3964G>T, p.Asp1322Tyr (NM_001406716.1); short protein forms D1322Y.
Identifiers: ClinVar variation 2430312 (VCV002430312.2), dbSNP rs2505533162, ClinGen allele CA392322186.